The following is an entry in ClinVar:

ClinVar aggregate classification (germline): Uncertain significance (1 of 4 stars; one submission).

Conditions:
Proline dehydrogenase deficiency (HYRPRO1). Also called: Hyperprolinemia type 1; PROLINE OXIDASE DEFICIENCY. Identifiers: Orphanet 419, MedGen C0268529, MONDO:0009400, OMIM 239500.

Allele frequency attached by ClinVar (database versions not stated): ExAC 0.00001.

Submission:

Labcorp Genetics (formerly Invitae), Labcorp
Classification: Uncertain significance for Proline dehydrogenase deficiency. Last evaluated: 2023-04-24. Review status: criteria provided, single submitter. Criteria: Invitae Variant Classification Sherloc (09022015). Collection method: clinical testing. Allele origin: germline.
Comment: In summary, the available evidence is currently insufficient to determine the role of this variant in disease. Therefore, it has been classified as a Variant of Uncertain Significance. This variant has not been reported in the literature in individuals affected with PRODH-related conditions. ClinVar contains an entry for this variant (Variation ID: 1976960). Advanced modeling of protein sequence and biophysical properties (such as structural, functional, and spatial information, amino acid conservation, physicochemical variation, residue mobility, and thermodynamic stability) performed at Invitae indicates that this missense variant is not expected to disrupt PRODH protein function. This sequence change replaces isoleucine, which is neutral and non-polar, with leucine, which is neutral and non-polar, at codon 233 of the PRODH protein (p.Ile233Leu). This variant is present in population databases (rs778583527, gnomAD 0.002%).

NM_016335.6(PRODH):c.697A>C (p.Ile233Leu)

Gene: PRODH (proline dehydrogenase 1; minus strand). Cytogenetic location: 22q11.21.
Variant type: single nucleotide variant.
Coding change: c.697A>C on transcript NM_016335.6 (MANE Select); coding-DNA position 697, A replaced by C.
Protein change: p.Ile233Leu; replaces isoleucine 233 with leucine.
Molecular consequence: missense variant.
Genome position (GRCh38, 1-based): chr22:18,923,150, T>G on the plus strand (A>C on the coding strand, the complement: PRODH is on the minus strand). VCF-style: chr22-18923150-T-G. GRCh37 (hg19) VCF-style: chr22-18910663-T-G.
Other names: c.373A>C, p.Ile125Leu (NM_001195226.2, NM_001368250.2); short protein forms I233L, I125L.
Identifiers: ClinVar variation 1976960 (VCV001976960.5), dbSNP rs778583527, ClinGen allele CA10095282.